The following is an entry in ClinVar:

NM_006186.4(NR4A2):c.286del (p.Gln96fs)

Gene: NR4A2 (nuclear receptor subfamily 4 group A member 2; minus strand). Cytogenetic location: 2q24.1.
Variant type: Deletion.
Coding change: c.286del on transcript NM_006186.4 (MANE Select); coding-DNA position 286, one base deleted (C; older notation c.286delC).
Protein change: p.Gln96fs; shifts the reading frame from glutamine 96.
Molecular consequence: frameshift variant.
Genome position (GRCh38, 1-based): chr2:156,329,901, G deleted on the plus strand (C on the coding strand, the reverse complement: NR4A2 is on the minus strand). VCF-style (leftmost placement, unchanged base first): chr2-156329900-TG-T. GRCh37 (hg19) VCF-style: chr2-157186412-TG-T.
Other names: c.97del, p.Gln33fs (NM_173173.3); short protein forms Q33fs, Q96fs.
Identifiers: ClinVar variation 4537603 (VCV004537603.1).
Genomic context (GRCh38, chr2:156,329,900, plus strand): 5'-TGCGGCATCATCTCCTCAGACTGGGGGGGCAGGTGGCTGTGTTGCTGGTAGTTGTGCATC[TG>T]AATGTCTTCTACCTTAATGGAGGACTGCTGTCCGGACAGGGGCATTTGGTACAAGCAAGG-3'

ClinVar aggregate classification (germline): Pathogenic (1 of 4 stars; one submission).

Submission:

GeneDx
Classification: Pathogenic. Last evaluated: 2025-06-12. Review status: criteria provided, single submitter. Criteria: GeneDx Variant Classification Process June 2021. Collection method: clinical testing. Allele origin: germline. Affected: yes.
Comment: Frameshift variant predicted to result in protein truncation or nonsense mediated decay in a gene for which loss of function is a known mechanism of disease; Not observed at significant frequency in large population cohorts (gnomAD); Has not been previously published as pathogenic or benign to our knowledge